The following is an entry in ClinVar:

NM_002880.4(RAF1):c.*83C>T

Gene: RAF1 (Raf-1 proto-oncogene, serine/threonine kinase; minus strand). Cytogenetic location: 3p25.2.
Variant type: single nucleotide variant.
Coding change: c.*83C>T on transcript NM_002880.4 (MANE Select); 83 bases downstream of the stop codon, C replaced by T.
Molecular consequence: 3 prime UTR variant. On other transcripts: non-coding transcript variant (3).
Genome position (GRCh38, 1-based): chr3:12,584,431, G>A on the plus strand (C>T on the coding strand, the complement: RAF1 is on the minus strand). VCF-style: chr3-12584431-G-A. GRCh37 (hg19) VCF-style: chr3-12625930-G-A.
Other names: c.*83C>T (NM_001354689.3, NM_001354690.3, NM_001354691.3 and 4 more transcripts).
Identifiers: ClinVar variation 40630 (VCV000040630.8), dbSNP rs2229757, ClinGen allele CA10602364.
Genomic context (GRCh38, chr3:12,584,431, plus strand): 5'-AAGGCCCTGTGAGCAGTCTAGAAGGTCCTTAGCAGCAGCTTCTCTGAAAACATGTGTTCT[G>A]CCTCTGGAGAAAGGGAGCAGAAAAGTGGTGCCTGCTGGCTTCTCCTCCTCCCCTGGCAGC-3'

ClinVar aggregate classification (germline): Benign. Review status: criteria provided, multiple submitters, no conflicts (2 of 4 stars). 4 submissions from 3 submitters: Benign (4). Last evaluated 2018-01-12.

Conditions:
Noonan syndrome 5 (NS5). Also called: RAF1-Related Noonan Syndrome. Identifiers: Orphanet 648, MedGen C1969057, MONDO:0012690, OMIM 611553. Disease mechanism: gain of function.
LEOPARD syndrome 2 (LPRD2). Also called: RAF1-Related LEOPARD Syndrome. Identifiers: Orphanet 500, MedGen C1969056, MONDO:0012691, OMIM 611554.

Allele frequency attached by ClinVar (database versions not stated): TOPMed 0.01500; 1000 Genomes Project 0.01637; 1000 Genomes Project 30x 0.01702.

Submissions (4):

Illumina Laboratory Services, Illumina
Classification: Benign for LEOPARD syndrome 2. Last evaluated: 2018-01-12. Review status: criteria provided, single submitter. Criteria: ICSL Variant Classification Criteria 13 December 2019. Collection method: clinical testing. Allele origin: germline.
Comment: This variant was observed in the ICSL laboratory as part of a predisposition screen in an ostensibly healthy population. It had not been previously curated by ICSL or reported in the Human Gene Mutation Database (HGMD: prior to June 1st, 2018), and was therefore a candidate for classification through an automated scoring system. Utilizing variant allele frequency, disease prevalence and penetrance estimates, and inheritance mode, an automated score was calculated to assess if this variant is too frequent to cause the disease. Based on the score and internal cut-off values, a variant classified as benign is not then subjected to further curation. The score for this variant resulted in a classification of benign for this disease.

Illumina Laboratory Services, Illumina
Classification: Benign for Noonan syndrome 5. Last evaluated: 2018-01-12. Review status: criteria provided, single submitter. Criteria: ICSL Variant Classification Criteria 13 December 2019. Collection method: clinical testing. Allele origin: germline.
Comment: the same text as in the submission from Illumina Laboratory Services, Illumina above.

GeneDx
Classification: Benign. Last evaluated: 2015-03-03. Review status: criteria provided, single submitter. Criteria: GeneDx Variant Classification Process June 2021. Collection method: clinical testing. Allele origin: germline. Affected: yes.

Breakthrough Genomics
Classification: Benign. Review status: criteria provided, single submitter. Criteria: ACMG Guidelines, 2015. Collection method: not provided. Allele origin: germline. Inheritance: Autosomal dominant inheritance. Affected: yes.